The following is an entry in ClinVar:

NM_152443.3(RDH12):c.659-2A>G

Genes: RDH12 (retinol dehydrogenase 12; plus strand), GPHN (gephyrin; plus strand), ZFYVE26 (zinc finger FYVE-type containing 26; minus strand). Cytogenetic location: 14q24.1.
Variant type: single nucleotide variant.
Coding change: c.659-2A>G on transcript NM_152443.3 (MANE Select); the canonical splice acceptor site of the intron before coding-DNA position 659, A replaced by G.
Molecular consequence: splice acceptor variant.
Genome position (GRCh38, 1-based): chr14:67,729,189, A>G. VCF-style: chr14-67729189-A-G. GRCh37 (hg19) VCF-style: chr14-68195906-A-G.
Identifiers: ClinVar variation 3776098 (VCV003776098.1).

ClinVar aggregate classification (germline): Pathogenic (1 of 4 stars; one submission).

Conditions:
Leber congenital amaurosis 13 (LCA13). Identifiers: MedGen C2675186, MONDO:0012990, OMIM 612712.

Submission:

3billion
Classification: Pathogenic for Leber congenital amaurosis 13. Last evaluated: 2023-11-10. Review status: criteria provided, single submitter. Criteria: ACMG Guidelines, 2015. Collection method: clinical testing. Allele origin: germline. Affected: yes.
Comment: The variant is not observed in the gnomAD v2.1.1 dataset. Predicted Consequence/Location: Canonical splice site: predicted to alter splicing and result in a loss or disruption of normal protein function. Multiple pathogenic loss-of-function variants are reported downstream of the variant. In silico tools predict the variant to alter splicing and produce an abnormal transcript [Splice AI: 1.00 (spliceogenicity >=0.2, non-spliceogenicity <0.1)]. Therefore, this variant is classified as Pathogenic according to the recommendation of ACMG/AMP guideline.